The following is an entry in ClinVar:

ClinVar aggregate classification (germline): Conflicting classifications of pathogenicity. Review status: criteria provided, conflicting classifications (1 of 4 stars). 2 submissions from 2 submitters: Uncertain significance (1); Likely benign (1). Last evaluated 2024-11-11.

Conditions:
Inborn genetic diseases. Identifiers: MedGen C0950123, MeSH D030342.

Allele frequency attached by ClinVar (database versions not stated): TOPMed 0.00002.
gnomAD v4.1: 87 of 1,151,282 alleles (0.0076%); highest among the groups gnomAD compares: Non-Finnish European, 0.0099%; no homozygotes.

Submissions (2):

Ambry Genetics
Classification: Likely benign for Inborn genetic diseases. Last evaluated: 2024-11-11. Review status: criteria provided, single submitter. Criteria: Ambry Variant Classification Scheme 2023. Collection method: clinical testing. Allele origin: germline.

Labcorp Genetics (formerly Invitae), Labcorp
Classification: Uncertain significance. Last evaluated: 2023-05-20. Review status: criteria provided, single submitter. Criteria: Invitae Variant Classification Sherloc (09022015). Collection method: clinical testing. Allele origin: germline.
Comment: This sequence change replaces aspartic acid, which is acidic and polar, with asparagine, which is neutral and polar, at codon 1411 of the POLA1 protein (p.Asp1411Asn). This variant is present in population databases (rs771537551, gnomAD 0.01%), including at least one homozygous and/or hemizygous individual. In summary, the available evidence is currently insufficient to determine the role of this variant in disease. Therefore, it has been classified as a Variant of Uncertain Significance. Advanced modeling of protein sequence and biophysical properties (such as structural, functional, and spatial information, amino acid conservation, physicochemical variation, residue mobility, and thermodynamic stability) performed at Invitae indicates that this missense variant is not expected to disrupt POLA1 protein function. This variant has not been reported in the literature in individuals affected with POLA1-related conditions.

NM_001330360.2(POLA1):c.4249G>A (p.Asp1417Asn)

Gene: POLA1 (DNA polymerase alpha 1, catalytic subunit; plus strand). Cytogenetic location: Xp21.3.
Variant type: single nucleotide variant.
Coding change: c.4249G>A on transcript NM_001330360.2 (MANE Select); coding-DNA position 4249, G replaced by A.
Protein change: p.Asp1417Asn; replaces aspartic acid 1417 with asparagine.
Molecular consequence: missense variant. On other transcripts: non-coding transcript variant (2).
Genome position (GRCh38, 1-based): chrX:24,930,537, G>A. VCF-style: chrX-24930537-G-A. GRCh37 (hg19) VCF-style: chrX-24948654-G-A.
Other names: c.4231G>A (NM_016937.3); c.4174G>A, p.Asp1392Asn (NM_001378303.1); c.4231G>A, p.Asp1411Asn (NM_016937.4); short protein forms D1392N, D1417N, D1411N.
Identifiers: ClinVar variation 2986221 (VCV002986221.4), dbSNP rs771537551, ClinGen allele CA327726600.